The following is an entry in ClinVar:

ClinVar aggregate classification (germline): Uncertain significance. Review status: criteria provided, multiple submitters, no conflicts (2 of 4 stars). 2 submissions from 2 submitters: Uncertain significance (2). Last evaluated 2024-08-21.

Conditions:
ZMYM3-related disorder. Also called: ZMYM3-related condition.

Allele frequency attached by ClinVar (database versions not stated): TOPMed below 0.00001; gnomAD exomes 0.00001; gnomAD 0.00003.

Submissions (2):

GeneDx
Classification: Uncertain significance. Last evaluated: 2024-08-21. Review status: criteria provided, single submitter. Criteria: GeneDx Variant Classification Process June 2021. Collection method: clinical testing. Allele origin: germline. Affected: yes.
Comment: In silico analysis supports that this missense variant has a deleterious effect on protein structure/function; Has not been previously published as pathogenic or benign to our knowledge

PreventionGenetics, part of Exact Sciences
Classification: Uncertain significance for ZMYM3-related condition. Last evaluated: 2023-03-10. Review status: criteria provided, single submitter. Criteria: ACMG Guidelines, 2015. Collection method: clinical testing. Allele origin: germline.
Comment: The ZMYM3 c.943C>T variant is predicted to result in the amino acid substitution p.Arg315Trp. To our knowledge, this variant has not been reported in the literature. This variant is reported in 0.0073% of alleles in individuals of East Asian descent in gnomAD. At this time, the clinical significance of this variant is uncertain due to the absence of conclusive functional and genetic evidence.

NM_201599.3(ZMYM3):c.943C>T (p.Arg315Trp)

Gene: ZMYM3 (zinc finger MYM-type containing 3; minus strand). Cytogenetic location: Xq13.1.
Variant type: single nucleotide variant.
Coding change: c.943C>T on transcript NM_201599.3 (MANE Select); coding-DNA position 943, C replaced by T.
Protein change: p.Arg315Trp; replaces arginine 315 with tryptophan.
Molecular consequence: missense variant.
Genome position (GRCh38, 1-based): chrX:71,250,562, G>A on the plus strand (C>T on the coding strand, the complement: ZMYM3 is on the minus strand). VCF-style: chrX-71250562-G-A. GRCh37 (hg19) VCF-style: chrX-70470412-G-A.
Other names: c.943C>T, p.Arg315Trp (NM_001171162.1, NM_001171163.1, NM_005096.3); short protein forms R315W.
Identifiers: ClinVar variation 2633674 (VCV002633674.2), dbSNP rs894482055, ClinGen allele CA331008429.